The following is an entry in ClinVar:

ClinVar aggregate classification (germline): Uncertain significance (1 of 4 stars; one submission).

Conditions:
Neuroblastoma, susceptibility to, 3. Also called: ALK-Related Neuroblastic Tumor Susceptibility. Identifiers: Orphanet 635, MedGen C2751681, MONDO:0013083, OMIM 613014.

Submission:

Labcorp Genetics (formerly Invitae), Labcorp
Classification: Uncertain significance for Neuroblastoma, susceptibility to, 3. Last evaluated: 2024-07-15. Review status: criteria provided, single submitter. Criteria: Invitae Variant Classification Sherloc (09022015). Collection method: clinical testing. Allele origin: germline.
Comment: This sequence change replaces leucine, which is neutral and non-polar, with proline, which is neutral and non-polar, at codon 521 of the ALK protein (p.Leu521Pro). This variant is not present in population databases (gnomAD no frequency). This variant has not been reported in the literature in individuals affected with ALK-related conditions. ClinVar contains an entry for this variant (Variation ID: 2107121). An algorithm developed to predict the effect of missense changes on protein structure and function (PolyPhen-2) suggests that this variant is likely to be disruptive. In summary, the available evidence is currently insufficient to determine the role of this variant in disease. Therefore, it has been classified as a Variant of Uncertain Significance.

NM_004304.5(ALK):c.1562T>C (p.Leu521Pro)

Gene: ALK (ALK receptor tyrosine kinase; minus strand). Cytogenetic location: 2p23.2.
Variant type: single nucleotide variant.
Coding change: c.1562T>C on transcript NM_004304.5 (MANE Select); coding-DNA position 1562, T replaced by C.
Protein change: p.Leu521Pro; replaces leucine 521 with proline.
Molecular consequence: missense variant.
Genome position (GRCh38, 1-based): chr2:29,318,389, A>G on the plus strand (T>C on the coding strand, the complement: ALK is on the minus strand). VCF-style: chr2-29318389-A-G. GRCh37 (hg19) VCF-style: chr2-29541255-A-G.
Other names: short protein forms L521P.
Identifiers: ClinVar variation 2107121 (VCV002107121.4), dbSNP rs2148248262, ClinGen allele CA346471380.